The following is an entry in ClinVar:

NM_001080397.3(SLC45A1):c.981G>A (p.Pro327=)

Gene: SLC45A1 (solute carrier family 45 member 1; plus strand). Cytogenetic location: 1p36.23.
Variant type: single nucleotide variant.
Coding change: c.981G>A on transcript NM_001080397.3 (MANE Select); coding-DNA position 981, G replaced by A.
Protein change: p.Pro327=; no amino-acid change (proline 327 retained).
Molecular consequence: synonymous variant.
Genome position (GRCh38, 1-based): chr1:8,330,474, G>A. VCF-style: chr1-8330474-G-A. GRCh37 (hg19) VCF-style: chr1-8390534-G-A.
Other names: c.981G>A, p.Pro327= (NM_001379614.1); c.888G>A, p.Pro296= (NM_001379615.1, NM_001379616.1); c.375G>A, p.Pro125= (NM_001379617.1, NM_001379618.1).
Identifiers: ClinVar variation 3341805 (VCV003341805.16).
Genomic context (GRCh38, chr1:8,330,474, plus strand): 5'-CCTCCCGCTGCCCCCGTCCCCACCCGTCCTGCCAGAGGAAGGCCCTGGCGACAGCCTCCC[G>A]TCGCACACGGCCACCAACTTCTCCAGCCCCATCTCGCCGCCCAGCCCCCTCACGCCCAAG-3'
Protein context (NP_001073866.3, residues 317-337): LPEEGPGDSL[Pro327=]SHTATNFSSP

ClinVar aggregate classification (germline): Likely benign (1 of 4 stars; one submission).

gnomAD v4.1: 71 of 1,612,482 alleles (0.0044%); highest among the groups gnomAD compares: South Asian, 0.0077%; no homozygotes.

Submission:

CeGaT Center for Human Genetics Tuebingen
Classification: Likely benign. Last evaluated: 2024-08-01. Review status: criteria provided, single submitter. Criteria: CeGaT Center For Human Genetics Tuebingen Variant Classification Criteria Version 2. Collection method: clinical testing. Allele origin: germline. Affected: yes. Observed: 1 variant allele.
Comment: SLC45A1: BP4, BP7